The following is an entry in ClinVar:

NM_001382567.1(STIM1):c.1344C>G (p.His448Gln)

Gene: STIM1 (stromal interaction molecule 1; plus strand). Cytogenetic location: 11p15.4.
Variant type: single nucleotide variant.
Coding change: c.1344C>G on transcript NM_001382567.1 (MANE Select); coding-DNA position 1344, C replaced by G.
Protein change: p.His448Gln; replaces histidine 448 with glutamine.
Molecular consequence: missense variant. On other transcripts: non-coding transcript variant (2).
Genome position (GRCh38, 1-based): chr11:4,083,368, C>G. VCF-style: chr11-4083368-C-G. GRCh37 (hg19) VCF-style: chr11-4104598-C-G.
Other names: c.1344C>G, p.His448Gln (NM_001277961.3, NM_001277962.2, NM_003156.4); c.1122C>G, p.His374Gln (NM_001382566.1, NM_001382573.1, NM_001382575.1 and 4 more transcripts); c.1365C>G, p.His455Gln (NM_001382568.1); c.1209C>G, p.His403Gln (NM_001382569.1); c.1116C>G, p.His372Gln (NM_001382570.1); c.864C>G, p.His288Gln (NM_001382571.1); c.855C>G, p.His285Gln (NM_001382580.1, NM_001382581.1); short protein forms H285Q, H288Q, H372Q, H374Q, H403Q, H448Q, H455Q.
Identifiers: ClinVar variation 3751974 (VCV003751974.2).

ClinVar aggregate classification (germline): Uncertain significance (1 of 4 stars; one submission).

Conditions:
Combined immunodeficiency due to STIM1 deficiency. Also called: IMMUNODEFICIENCY 10; STIM1 DEFICIENCY. Identifiers: Orphanet 169090, Orphanet 317430, MedGen C2748557, MONDO:0013008, OMIM 612783.
Myopathy with tubular aggregates (TAM). Also called: Tubular Aggregate Myopathy. Identifiers: Orphanet 2593, MedGen C0410207, MONDO:0008051.
Stormorken syndrome (STRMK). Also called: THROMBOCYTOPATHY, ASPLENIA, AND MIOSIS. Identifiers: Orphanet 3204, MedGen C1861451, MONDO:0008497, OMIM 185070.

Submission:

Labcorp Genetics (formerly Invitae), Labcorp
Classification: Uncertain significance for Myopathy with tubular aggregates; Combined immunodeficiency due to STIM1 deficiency; Stormorken syndrome. Last evaluated: 2024-08-09. Review status: criteria provided, single submitter. Criteria: Invitae Variant Classification Sherloc (09022015). Collection method: clinical testing. Allele origin: germline.
Comment: This sequence change replaces histidine, which is basic and polar, with glutamine, which is neutral and polar, at codon 448 of the STIM1 protein (p.His448Gln). This variant is not present in population databases (gnomAD no frequency). This variant has not been reported in the literature in individuals affected with STIM1-related conditions. Advanced modeling of protein sequence and biophysical properties (such as structural, functional, and spatial information, amino acid conservation, physicochemical variation, residue mobility, and thermodynamic stability) has been performed at Invitae for this missense variant, however the output from this modeling did not meet the statistical confidence thresholds required to predict the impact of this variant on STIM1 protein function. In summary, the available evidence is currently insufficient to determine the role of this variant in disease. Therefore, it has been classified as a Variant of Uncertain Significance.